The following is an entry in ClinVar:

ClinVar aggregate classification (germline): Uncertain significance (1 of 4 stars; one submission).

Submission:

GeneDx
Classification: Uncertain significance. Last evaluated: 2024-07-26. Review status: criteria provided, single submitter. Criteria: GeneDx Variant Classification Process June 2021. Collection method: clinical testing. Allele origin: germline. Affected: yes.
Comment: Not observed at significant frequency in large population cohorts (gnomAD); In silico analysis supports that this missense variant has a deleterious effect on protein structure/function; Has not been previously published as pathogenic or benign to our knowledge

NM_001273.5(CHD4):c.1117T>G (p.Cys373Gly)

Gene: CHD4 (chromodomain helicase DNA binding protein 4; minus strand). Cytogenetic location: 12p13.31.
Variant type: single nucleotide variant.
Coding change: c.1117T>G on transcript NM_001273.5 (MANE Select); coding-DNA position 1117, T replaced by G.
Protein change: p.Cys373Gly; replaces cysteine 373 with glycine.
Molecular consequence: missense variant.
Genome position (GRCh38, 1-based): chr12:6,600,342, A>C on the plus strand (T>G on the coding strand, the complement: CHD4 is on the minus strand). VCF-style: chr12-6600342-A-C. GRCh37 (hg19) VCF-style: chr12-6709508-A-C.
Other names: c.1096T>G, p.Cys366Gly (NM_001297553.2); c.1078T>G, p.Cys360Gly (NM_001363606.2); short protein forms C360G, C366G, C373G.
Identifiers: ClinVar variation 2578226 (VCV002578226.2), dbSNP rs2540411694, ClinGen allele CA383601559.